The following is an entry in ClinVar:

NM_000466.3(PEX1):c.289T>C (p.Cys97Arg)

Gene: PEX1 (peroxisomal biogenesis factor 1; minus strand). Cytogenetic location: 7q21.2.
Variant type: single nucleotide variant.
Coding change: c.289T>C on transcript NM_000466.3 (MANE Select); coding-DNA position 289, T replaced by C.
Protein change: p.Cys97Arg; replaces cysteine 97 with arginine.
Molecular consequence: missense variant. On other transcripts: 5 prime UTR variant (1).
Genome position (GRCh38, 1-based): chr7:92,519,063, A>G on the plus strand (T>C on the coding strand, the complement: PEX1 is on the minus strand). VCF-style: chr7-92519063-A-G. GRCh37 (hg19) VCF-style: chr7-92148377-A-G.
Other names: c.289T>C, p.Cys97Arg (NM_001282677.2); c.-371T>C (NM_001282678.2); short protein forms C97R.
Identifiers: ClinVar variation 1466267 (VCV001466267.5), dbSNP rs1792936652, ClinGen allele CA368203257.

ClinVar aggregate classification (germline): Uncertain significance (1 of 4 stars; one submission).

Conditions:
Zellweger spectrum disorders (ZS). Also called: Zellweger Spectrum Disorder (ZSD); Zellweger syndrome; Zellweger Spectrum Disorder; Zellweger Spectrum. Identifiers: Orphanet 912, MedGen C0043459, MONDO:0019609.

Allele frequency attached by ClinVar (database versions not stated): TOPMed below 0.00001; gnomAD 0.00001.

Submission:

Labcorp Genetics (formerly Invitae), Labcorp
Classification: Uncertain significance for Zellweger spectrum disorders. Last evaluated: 2021-09-01. Review status: criteria provided, single submitter. Criteria: Invitae Variant Classification Sherloc (09022015). Collection method: clinical testing. Allele origin: germline.
Comment: This sequence change replaces cysteine with arginine at codon 97 of the PEX1 protein (p.Cys97Arg). The cysteine residue is moderately conserved and there is a large physicochemical difference between cysteine and arginine. This variant is not present in population databases (ExAC no frequency). This variant has not been reported in the literature in individuals affected with PEX1-related conditions. Algorithms developed to predict the effect of missense changes on protein structure and function are either unavailable or do not agree on the potential impact of this missense change (SIFT: "Tolerated"; PolyPhen-2: "Probably Damaging"; Align-GVGD: "Class C0"). In summary, the available evidence is currently insufficient to determine the role of this variant in disease. Therefore, it has been classified as a Variant of Uncertain Significance.